The following is an entry in ClinVar:

ClinVar aggregate classification (germline): Uncertain significance (1 of 4 stars; one submission).

Allele frequency attached by ClinVar (database versions not stated): TOPMed below 0.00001; gnomAD exomes 0.00001.

Submission:

Labcorp Genetics (formerly Invitae), Labcorp
Classification: Uncertain significance. Last evaluated: 2023-01-11. Review status: criteria provided, single submitter. Criteria: Invitae Variant Classification Sherloc (09022015). Collection method: clinical testing. Allele origin: germline.
Comment: Experimental studies and prediction algorithms are not available or were not evaluated, and the functional significance of this variant is currently unknown. In summary, the available evidence is currently insufficient to determine the role of this variant in disease. Therefore, it has been classified as a Variant of Uncertain Significance. This variant has not been reported in the literature in individuals affected with MAGEL2-related conditions. This sequence change replaces proline, which is neutral and non-polar, with serine, which is neutral and polar, at codon 182 of the MAGEL2 protein (p.Pro182Ser). This variant is not present in population databases (gnomAD no frequency).

NM_019066.5(MAGEL2):c.544C>T (p.Pro182Ser)

Gene: MAGEL2 (MAGE family member L2; minus strand). Cytogenetic location: 15q11.2.
Variant type: single nucleotide variant.
Coding change: c.544C>T on transcript NM_019066.5 (MANE Select); coding-DNA position 544, C replaced by T.
Protein change: p.Pro182Ser; replaces proline 182 with serine.
Molecular consequence: missense variant.
Genome position (GRCh38, 1-based): chr15:23,647,199, G>A on the plus strand (C>T on the coding strand, the complement: MAGEL2 is on the minus strand). VCF-style: chr15-23647199-G-A. GRCh37 (hg19) VCF-style: chr15-23892346-G-A.
Other names: short protein forms P182S.
Identifiers: ClinVar variation 2827684 (VCV002827684.3), dbSNP rs866599817, ClinGen allele CA267661397.
Genomic context (GRCh38, chr15:23,647,199, plus strand): 5'-GATGAGCCATCGGTGTCCCCGGAGGGGGAGGATGAGCCATCGGGGTCCCCGGAGGAGGAG[G>A]ATGCACCATCGGGGTCCCCGGAGGAGGAGGATGGGCCATCGGGGTCCCCGGAGGAGGAGG-3'
Protein context (NP_061939.3, residues 172-192): PPPPGTPMVH[Pro182Ser]PPPGTPMAHP